The following is an entry in ClinVar:

ClinVar aggregate classification (germline): Uncertain significance. Review status: criteria provided, multiple submitters, no conflicts (2 of 4 stars). 2 submissions from 2 submitters: Uncertain significance (2). Last evaluated 2021-08-27.

Submissions (2):

Labcorp Genetics (formerly Invitae), Labcorp
Classification: Uncertain significance. Last evaluated: 2021-08-27. Review status: criteria provided, single submitter. Criteria: Invitae Variant Classification Sherloc (09022015). Collection method: clinical testing. Allele origin: germline.
Comment: This variant, c.167_168insTTTCCC, results in the insertion of 2 amino acid(s) to the BSND protein (p.Cys56_Tyr57insPhePro), but otherwise preserves the integrity of the reading frame. This variant is not present in population databases (ExAC no frequency). This variant has been observed in individual(s) with clinical features of nonsyndromic deafness (Invitae). Experimental studies and prediction algorithms are not available or were not evaluated, and the functional significance of this variant is currently unknown. In summary, the available evidence is currently insufficient to determine the role of this variant in disease. Therefore, it has been classified as a Variant of Uncertain Significance.

GeneDx
Classification: Uncertain significance. Last evaluated: 2019-09-06. Review status: criteria provided, single submitter. Criteria: GeneDx Variant Classification Process June 2021. Collection method: clinical testing. Allele origin: germline. Affected: yes.
Comment: Not observed in large population cohorts (Lek et al., 2016); In-frame insertion of 2 amino acids in a non-repeat region; Has not been previously published as pathogenic or benign to our knowledge

NM_057176.3(BSND):c.167_168insTTTCCC (p.Cys56_Tyr57insPhePro)

Gene: BSND (barttin CLCNK type accessory subunit beta; plus strand). Cytogenetic location: 1p32.3.
Variant type: Insertion.
Coding change: c.167_168insTTTCCC on transcript NM_057176.3 (MANE Select); coding-DNA positions 167 to 168, TTTCCC inserted.
Protein change: p.Cys56_Tyr57insPhePro.
Molecular consequence: inframe insertion.
Genome position: GRCh38 VCF-style: chr1-54999353-G-GTTTCCC. GRCh37 (hg19) VCF-style: chr1-55465026-G-GTTTCCC.
Identifiers: ClinVar variation 1310682 (VCV001310682.6), dbSNP rs2101644508, ClinGen allele CA2573051596.